The following is an entry in ClinVar:

NM_133433.4(NIPBL):c.4232T>C (p.Ile1411Thr)

Gene: NIPBL (NIPBL cohesin loading factor; plus strand). Cytogenetic location: 5p13.2.
Variant type: single nucleotide variant.
Coding change: c.4232T>C on transcript NM_133433.4 (MANE Select); coding-DNA position 4232, T replaced by C.
Protein change: p.Ile1411Thr; replaces isoleucine 1411 with threonine.
Molecular consequence: missense variant.
Genome position (GRCh38, 1-based): chr5:37,007,467, T>C. VCF-style: chr5-37007467-T-C. GRCh37 (hg19) VCF-style: chr5-37007569-T-C.
Other names: c.4232T>C, p.Ile1411Thr (NM_001438586.1, NM_015384.5); short protein forms I1411T.
Identifiers: ClinVar variation 5017976 (VCV005017976.1).
Genomic context (GRCh38, chr5:37,007,467, plus strand): 5'-GTGACATTGTTAGCAGCTTATCAGAATTGCTAGAGATACAACTTCTTACAGACACAACAA[T>C]TCTTCAGGTAAGATTTTTTGGTAAGCATTTTGTATATTTCTAAACTAAATGATTAAGTCT-3'
Protein context (NP_597677.2, residues 1401-1421): LEIQLLTDTT[Ile1411Thr]LQVSSMGITP

ClinVar aggregate classification (germline): Uncertain significance (1 of 4 stars; one submission).

Submission:

GeneDx
Classification: Uncertain significance. Last evaluated: 2026-03-30. Review status: criteria provided, single submitter. Criteria: GeneDx Variant Classification Process June 2021. Collection method: clinical testing. Allele origin: germline.
Comment: Not observed at significant frequency in large population cohorts (gnomAD); In silico analysis supports that this missense variant has a deleterious effect on protein structure/function; Has not been previously published as pathogenic or benign to our knowledge